The following is an entry in ClinVar:

ClinVar aggregate classification (germline): Pathogenic (1 of 4 stars; one submission).

Submission:

Labcorp Genetics (formerly Invitae), Labcorp
Classification: Pathogenic. Last evaluated: 2021-11-19. Review status: criteria provided, single submitter. Criteria: Invitae Variant Classification Sherloc (09022015). Collection method: clinical testing. Allele origin: germline.
Comment: This variant is not present in population databases (gnomAD no frequency). This sequence change creates a premature translational stop signal (p.Gln4*) in the PUS1 gene. It is expected to result in an absent or disrupted protein product. Loss-of-function variants in PUS1 are known to be pathogenic (PMID: 17056637, 19731322, 25058219, 26556812). This variant has not been reported in the literature in individuals affected with PUS1-related conditions. For these reasons, this variant has been classified as Pathogenic.

Literature cited by the submitters: PubMed 17056637; PubMed 19731322; PubMed 25058219; PubMed 26556812.

NM_025215.6(PUS1):c.10C>T (p.Gln4Ter)

Gene: PUS1 (pseudouridine synthase 1; plus strand). Cytogenetic location: 12q24.33.
Variant type: single nucleotide variant.
Coding change: c.10C>T on transcript NM_025215.6 (MANE Select); coding-DNA position 10, C replaced by T.
Protein change: p.Gln4Ter; replaces glutamine 4 with a stop codon.
Molecular consequence: nonsense. On other transcripts: intron variant (2).
Genome position (GRCh38, 1-based): chr12:131,929,732, C>T. VCF-style: chr12-131929732-C-T. GRCh37 (hg19) VCF-style: chr12-132414277-C-T.
Other names: c.-10-175C>T (NM_001002019.3, NM_001002020.3); short protein forms Q4*.
Identifiers: ClinVar variation 1361128 (VCV001361128.6), dbSNP rs2136428332, ClinGen allele CA387296943.